The following is an entry in ClinVar:

ClinVar aggregate classification (germline): Uncertain significance (1 of 4 stars; one submission).

Submission:

Labcorp Genetics (formerly Invitae), Labcorp
Classification: Uncertain significance. Last evaluated: 2022-06-02. Review status: criteria provided, single submitter. Criteria: Invitae Variant Classification Sherloc (09022015). Collection method: clinical testing. Allele origin: germline.
Comment: In summary, the available evidence is currently insufficient to determine the role of this variant in disease. Therefore, it has been classified as a Variant of Uncertain Significance. Algorithms developed to predict the effect of missense changes on protein structure and function are either unavailable or do not agree on the potential impact of this missense change (SIFT: "Deleterious"; PolyPhen-2: "Benign"; Align-GVGD: "Class C0"). This variant has not been reported in the literature in individuals affected with AGBL5-related conditions. This variant is not present in population databases (gnomAD no frequency). This sequence change replaces threonine, which is neutral and polar, with alanine, which is neutral and non-polar, at codon 619 of the AGBL5 protein (p.Thr619Ala).

NM_021831.6(AGBL5):c.1855A>G (p.Thr619Ala)

Gene: AGBL5 (AGBL carboxypeptidase 5; plus strand). Cytogenetic location: 2p23.3.
Variant type: single nucleotide variant.
Coding change: c.1855A>G on transcript NM_021831.6 (MANE Select); coding-DNA position 1855, A replaced by G.
Protein change: p.Thr619Ala; replaces threonine 619 with alanine.
Molecular consequence: missense variant. On other transcripts: non-coding transcript variant (2).
Genome position (GRCh38, 1-based): chr2:27,058,583, A>G. VCF-style: chr2-27058583-A-G. GRCh37 (hg19) VCF-style: chr2-27281451-A-G.
Other names: c.1855A>G, p.Thr619Ala (NM_001035506.1, NM_001035507.3); short protein forms T619A.
Identifiers: ClinVar variation 2002107 (VCV002002107.4), dbSNP rs2465492345, ClinGen allele CA346187028.